The following is an entry in ClinVar:

ClinVar aggregate classification (germline): Pathogenic/Likely pathogenic. Review status: criteria provided, multiple submitters, no conflicts (2 of 4 stars). 2 submissions from 2 submitters: Pathogenic (1); Likely pathogenic (1). Last evaluated 2023-11-08.

Conditions:
Bardet-Biedl syndrome (BBS). Identifiers: Orphanet 110, MedGen C0752166, MONDO:0015229.
Bardet-Biedl syndrome 9 (BBS9). Identifiers: Orphanet 110, MedGen C1859567, MONDO:0014437, OMIM 615986.

Submissions (2):

Baylor Genetics
Classification: Likely pathogenic for Bardet-Biedl syndrome 9. Last evaluated: 2023-11-08. Review status: criteria provided, single submitter. Criteria: ACMG Guidelines, 2015. Collection method: clinical testing. Allele origin: unknown.

Labcorp Genetics (formerly Invitae), Labcorp
Classification: Pathogenic for Bardet-Biedl syndrome. Last evaluated: 2023-08-23. Review status: criteria provided, single submitter. Criteria: Invitae Variant Classification Sherloc (09022015). Collection method: clinical testing. Allele origin: germline.
Comment: This variant is present in population databases (rs758462362, gnomAD 0.003%). This sequence change creates a premature translational stop signal (p.Gln835Hisfs*18) in the BBS9 gene. It is expected to result in an absent or disrupted protein product. Loss-of-function variants in BBS9 are known to be pathogenic (PMID: 16380913, 20177705). For these reasons, this variant has been classified as Pathogenic. This variant has not been reported in the literature in individuals affected with BBS9-related conditions.

Literature cited by the submitters: PubMed 16380913 (cited by Labcorp Genetics (formerly Invitae), Labcorp); PubMed 20177705 (cited by Labcorp Genetics (formerly Invitae), Labcorp).

NM_198428.3(BBS9):c.2503_2504dup (p.Gln835fs)

Gene: BBS9 (Bardet-Biedl syndrome 9; plus strand). Cytogenetic location: 7p14.3.
Variant type: Microsatellite.
Coding change: c.2503_2504dup on transcript NM_198428.3 (MANE Select); coding-DNA positions 2503 to 2504, 2 bases duplicated (CA; older notation c.2503_2504dupCA).
Protein change: p.Gln835fs; shifts the reading frame from glutamine 835.
Molecular consequence: frameshift variant. On other transcripts: non-coding transcript variant (3).
Genome position (GRCh38, 1-based): chr7:33,534,158-33,534,159, CA duplicated; duplicating any 2 consecutive bases within chr7:33,534,156-33,534,159 gives the same sequence; the c. name uses the placement nearest the transcript's 3' end. VCF-style (leftmost placement, unchanged base first): chr7-33534155-C-CCA. GRCh37 (hg19) VCF-style: chr7-33573767-C-CCA.
Other names: c.2501_2502CA[3], p.Gln835Hisfs (NM_001412128.2, NM_001412127.2); c.2383_2384dup, p.Gln795fs (NM_014451.4, NM_001348040.3); c.2398_2399dup, p.Gln800fs (NM_001033604.2); c.2488_2489dup, p.Gln830fs (NM_001033605.2); c.2503_2504dup, p.Gln835fs (NM_001348036.1, NM_001348041.4, NM_001348043.3 and 1 more transcripts); c.1954_1955dup, p.Gln652fs (NM_001348037.3); c.2230_2231dup, p.Gln744fs (NM_001348038.3); c.2125_2126dup, p.Gln709fs (NM_001348039.3); and 3 more; short protein forms Q652fs, Q678fs, Q709fs, Q790fs, Q744fs, Q830fs, Q835fs, Q713fs.
Identifiers: ClinVar variation 2754550 (VCV002754550.4), dbSNP rs758462362, ClinGen allele CA4214703.
Genomic context (GRCh38, chr7:33,534,155, plus strand): 5'-TTGCTCTGCGATAGATTATCCAAAGGTGGCCGTCTCTGCCTAAGTACCGATGCAGCAGCC[C>CCA]CACAGACCATGGTCATGCCAGGTAAGAGCTCTGTCCATGCTCCCTAATCACAATTGTACT-3'